The following is an entry in ClinVar:

NM_032801.5(JAM3):c.572dup (p.Asn192fs)

Gene: JAM3 (junctional adhesion molecule 3; plus strand). Cytogenetic location: 11q25.
Variant type: Duplication.
Coding change: c.572dup on transcript NM_032801.5 (MANE Select); coding-DNA position 572, one base duplicated (G; older notation c.572dupG).
Protein change: p.Asn192fs; shifts the reading frame from asparagine 192.
Molecular consequence: frameshift variant.
Genome position (GRCh38, 1-based): chr11:134,144,954, G duplicated. VCF-style (leftmost placement, unchanged base first): chr11-134144953-C-CG. GRCh37 (hg19) VCF-style: chr11-134014848-C-CG.
Other names: c.419dup, p.Asn141fs (NM_001205329.2); short protein forms N141fs, N192fs.
Identifiers: ClinVar variation 2124726 (VCV002124726.4), dbSNP rs2497294789, ClinGen allele CA2580083832.

ClinVar aggregate classification (germline): Pathogenic (1 of 4 stars; one submission).

Submission:

Labcorp Genetics (formerly Invitae), Labcorp
Classification: Pathogenic. Last evaluated: 2022-04-11. Review status: criteria provided, single submitter. Criteria: Invitae Variant Classification Sherloc (09022015). Collection method: clinical testing. Allele origin: germline.
Comment: This sequence change creates a premature translational stop signal (p.Asn192Glnfs*9) in the JAM3 gene. It is expected to result in an absent or disrupted protein product. Loss-of-function variants in JAM3 are known to be pathogenic (PMID: 21109224, 23255084). This variant is not present in population databases (gnomAD no frequency). This variant has not been reported in the literature in individuals affected with JAM3-related conditions. For these reasons, this variant has been classified as Pathogenic.

Literature cited by the submitters: PubMed 21109224; PubMed 23255084.